The following is an entry in ClinVar:

NM_001164508.2(NEB):c.24301_24305dup (p.Tyr8103fs)

Genes: NEB (nebulin; minus strand), RIF1 (replication timing regulatory factor 1; plus strand). Cytogenetic location: 2q23.3.
Variant type: Duplication.
Coding change: c.24301_24305dup on transcript NM_001164508.2 (MANE Select); coding-DNA positions 24301 to 24305, 5 bases duplicated (GTGTT; older notation c.24301_24305dupGTGTT).
Protein change: p.Tyr8103fs; shifts the reading frame from tyrosine 8103.
Molecular consequence: frameshift variant. On other transcripts: intron variant (1).
Genome position (GRCh38, 1-based): chr2:151,497,029-151,497,033, AACAC duplicated on the plus strand (GTGTT on the coding strand, the reverse complement: NEB is on the minus strand). VCF-style (leftmost placement, unchanged base first): chr2-151497028-T-TAACAC. GRCh37 (hg19) VCF-style: chr2-152353542-T-TAACAC.
Other names: c.24406_24410dup (NM_001271208.1); c.24301_24305dup, p.Tyr8103fs (NM_001164507.2); c.24406_24410dup, p.Tyr8138fs (NM_001271208.2); c.18826-665_18826-661dup (NM_004543.5); short protein forms Y8103fs, Y8138fs.
Identifiers: ClinVar variation 557837 (VCV000557837.3), dbSNP rs1553548771, ClinGen allele CA658821203.
Genomic context (GRCh38, chr2:151,497,028, plus strand): 5'-GACTCTCTCCATCTCAGGAGTGACAGGTAGAGGGGTTCCCTTGCCCATGTTTTCTTTGTA[T>TAACAC]AACACCTGTGCGATAAGAAAGCAACCAGAAAAACAACCATGAGTAACATTTCATTTGTTG-3'

ClinVar aggregate classification (germline): Likely pathogenic. Review status: criteria provided, single submitter (1 of 4 stars). 2 submissions from 2 submitters: Likely pathogenic (1). 1 of the submissions does not count toward it. Last evaluated 2024-07-05.

Conditions:
Nemaline myopathy 2 (NEM2). Also called: Nemaline myopathy 2, autosomal recessive. Identifiers: MedGen C1850569, MONDO:0009725, OMIM 256030.

Submissions (2):

Natera, Inc.
Classification: Likely pathogenic for Nemaline myopathy type 2. Last evaluated: 2024-07-05. Review status: criteria provided, single submitter. Criteria: Natera Variant Classification Schema (03/2026). Collection method: clinical testing. Allele origin: germline.
Comment: The c.24406_24410dup variant in NEB is a frameshift variant predicted to shift the reading frame beginning at codon 8138 and leads to a stop codon 44 codons downstream. This variant is expected to result in nonsense mediated decay, truncation, or a dysfunctional protein product. This variant is rare in the general population with a frequency below the threshold expected for the associated phenotype(s). Given the available evidence, this variant is classified as Likely Pathogenic.

Counsyl
Classification: Likely pathogenic for Nemaline myopathy 2. Last evaluated: 2018-04-09. Review status: no assertion criteria provided. Collection method: clinical testing. Allele origin: unknown. Not counted in ClinVar's aggregate classification.